The following is an entry in ClinVar:

NM_015450.3(POT1):c.790C>G (p.His264Asp)

Gene: POT1 (protection of telomeres 1; minus strand). Cytogenetic location: 7q31.33.
Variant type: single nucleotide variant.
Coding change: c.790C>G on transcript NM_015450.3 (MANE Select); coding-DNA position 790, C replaced by G.
Protein change: p.His264Asp; replaces histidine 264 with aspartic acid.
Molecular consequence: missense variant. On other transcripts: non-coding transcript variant (3).
Genome position (GRCh38, 1-based): chr7:124,853,051, G>C on the plus strand (C>G on the coding strand, the complement: POT1 is on the minus strand). VCF-style: chr7-124853051-G-C. GRCh37 (hg19) VCF-style: chr7-124493105-G-C.
Other names: c.397C>G, p.His133Asp (NM_001042594.2); short protein forms H133D, H264D.
Identifiers: ClinVar variation 1761170 (VCV001761170.6), dbSNP rs1795352779, ClinGen allele CA369055447.

ClinVar aggregate classification (germline): Uncertain significance. Review status: criteria provided, multiple submitters, no conflicts (2 of 4 stars). 2 submissions from 2 submitters: Uncertain significance (2). Last evaluated 2025-07-06.

Conditions:
Tumor predisposition syndrome 3 (TPDS3). Also called: Melanoma, cutaneous malignant, susceptibility to, 10; Glioma susceptibility 9; LONG TELOMERE SYNDROME, POT1-RELATED; POT1 Tumor Predisposition. Identifiers: Orphanet 618, MedGen C4014476, MONDO:0014368, OMIM 615848.
Hereditary cancer-predisposing syndrome. Also called: Hereditary Cancer Syndrome; Hereditary neoplastic syndrome; Neoplastic Syndromes, Hereditary; Tumor predisposition. Identifiers: Orphanet 140162, MedGen C0027672, MeSH D009386, MONDO:0015356.

Submissions (2):

Labcorp Genetics (formerly Invitae), Labcorp
Classification: Uncertain significance for Tumor predisposition syndrome 3. Last evaluated: 2025-07-06. Review status: criteria provided, single submitter. Criteria: Invitae Variant Classification Sherloc (09022015). Collection method: clinical testing. Allele origin: germline.
Comment: This sequence change replaces histidine, which is basic and polar, with aspartic acid, which is acidic and polar, at codon 264 of the POT1 protein (p.His264Asp). This variant is not present in population databases (gnomAD no frequency). This variant has not been reported in the literature in individuals affected with POT1-related conditions. ClinVar contains an entry for this variant (Variation ID: 1761170). Invitae Evidence Modeling of protein sequence and biophysical properties (such as structural, functional, and spatial information, amino acid conservation, physicochemical variation, residue mobility, and thermodynamic stability) indicates that this missense variant is not expected to disrupt POT1 protein function with a negative predictive value of 80%. In summary, the available evidence is currently insufficient to determine the role of this variant in disease. Therefore, it has been classified as a Variant of Uncertain Significance.

Ambry Genetics
Classification: Uncertain significance for Hereditary cancer-predisposing syndrome. Last evaluated: 2025-02-28. Review status: criteria provided, single submitter. Criteria: Ambry Variant Classification Scheme 2023. Collection method: clinical testing. Allele origin: germline.
Comment: The p.H264D variant (also known as c.790C>G), located in coding exon 6 of the POT1 gene, results from a C to G substitution at nucleotide position 790. The histidine at codon 264 is replaced by aspartic acid, an amino acid with similar properties. This amino acid position is highly conserved in available vertebrate species. In addition, this alteration is predicted to be deleterious by in silico analysis. Based on the available evidence, the clinical significance of this variant remains unclear.